The following is an entry in ClinVar:

ClinVar aggregate classification (germline): Uncertain significance (1 of 4 stars; one submission).

Conditions:
Jeune thoracic dystrophy. Also called: Short-rib thoracic dysplasia; Jeune syndrome; Infantile thoracic dystrophy; Thoracic pelvic phalangeal dystrophy; Jeune's syndrome; Chondroectodermal dysplasia-like syndrome. Identifiers: Orphanet 474, MedGen C0265275, MONDO:0018770.

Submission:

Labcorp Genetics (formerly Invitae), Labcorp
Classification: Uncertain significance for Jeune thoracic dystrophy. Last evaluated: 2025-04-02. Review status: criteria provided, single submitter. Criteria: Invitae Variant Classification Sherloc (09022015). Collection method: clinical testing. Allele origin: germline.
Comment: This sequence change replaces leucine, which is neutral and non-polar, with phenylalanine, which is neutral and non-polar, at codon 1630 of the DYNC2H1 protein (p.Leu1630Phe). This variant is not present in population databases (gnomAD no frequency). This variant has not been reported in the literature in individuals affected with DYNC2H1-related conditions. Invitae Evidence Modeling of protein sequence and biophysical properties (such as structural, functional, and spatial information, amino acid conservation, physicochemical variation, residue mobility, and thermodynamic stability) indicates that this missense variant is expected to disrupt DYNC2H1 protein function with a positive predictive value of 95%. In summary, the available evidence is currently insufficient to determine the role of this variant in disease. Therefore, it has been classified as a Variant of Uncertain Significance.

NM_001377.3(DYNC2H1):c.4888C>T (p.Leu1630Phe)

Gene: DYNC2H1 (dynein cytoplasmic 2 heavy chain 1; plus strand). Cytogenetic location: 11q22.3.
Variant type: single nucleotide variant.
Coding change: c.4888C>T on transcript NM_001377.3 (MANE Select); coding-DNA position 4888, C replaced by T.
Protein change: p.Leu1630Phe; replaces leucine 1630 with phenylalanine.
Molecular consequence: missense variant.
Genome position (GRCh38, 1-based): chr11:103,168,880, C>T. VCF-style: chr11-103168880-C-T. GRCh37 (hg19) VCF-style: chr11-103039609-C-T.
Other names: c.4888C>T, p.Leu1630Phe (NM_001080463.2); short protein forms L1630F.
Identifiers: ClinVar variation 4701894 (VCV004701894.1).
Genomic context (GRCh38, chr11:103,168,880, plus strand): 5'-GTAAAGCAGTTAAACCAAATTCAGGTTCATACAACTGAAGACTGGGCTTGGAAAAAACAA[C>T]TTAGATTCTATATGAAAAGTGATCATACATGTTGTGTTCAAATGGTGGATTCTGAATTTC-3'
Protein context (NP_001368.2, residues 1620-1640): TTEDWAWKKQ[Leu1630Phe]RFYMKSDHTC